The following is an entry in ClinVar:

ClinVar aggregate classification (germline): Uncertain significance. Review status: criteria provided, multiple submitters, no conflicts (2 of 4 stars). 2 submissions from 2 submitters: Uncertain significance (2). Last evaluated 2025-07-02.

Allele frequency attached by ClinVar (database versions not stated): gnomAD exomes 0.00003; ExAC 0.00002.
gnomAD v4.1: 18 of 1,614,068 alleles (0.0011%); highest among the groups gnomAD compares: Admixed American, 0.03%; no homozygotes.

Submissions (2):

Ambry Genetics
Classification: Uncertain significance. Last evaluated: 2025-07-02. Review status: criteria provided, single submitter. Criteria: Ambry Variant Classification Scheme 2023. Collection method: clinical testing. Allele origin: germline.

Labcorp Genetics (formerly Invitae), Labcorp
Classification: Uncertain significance. Last evaluated: 2023-12-11. Review status: criteria provided, single submitter. Criteria: Invitae Variant Classification Sherloc (09022015). Collection method: clinical testing. Allele origin: germline.
Comment: This sequence change replaces glutamic acid, which is acidic and polar, with glutamine, which is neutral and polar, at codon 731 of the DHX32 protein (p.Glu731Gln). This variant is present in population databases (rs745318505, gnomAD 0.03%). This variant has not been reported in the literature in individuals affected with DHX32-related conditions. ClinVar contains an entry for this variant (Variation ID: 2074288). An algorithm developed to predict the effect of missense changes on protein structure and function (PolyPhen-2) suggests that this variant is likely to be tolerated. In summary, the available evidence is currently insufficient to determine the role of this variant in disease. Therefore, it has been classified as a Variant of Uncertain Significance.

NM_018180.3(DHX32):c.2191G>C (p.Glu731Gln)

Genes: BCCIP (BRCA2 and CDKN1A interacting protein; plus strand), DHX32 (DEAH-box helicase 32 (putative); minus strand). Cytogenetic location: 10q26.2.
Variant type: single nucleotide variant.
Coding change: c.2191G>C on transcript NM_018180.3 (MANE Select); coding-DNA position 2191, G replaced by C.
Protein change: p.Glu731Gln; replaces glutamic acid 731 with glutamine.
Molecular consequence: missense variant. On other transcripts: intron variant (2).
Genome position (GRCh38, 1-based): chr10:125,836,728, C>G on the plus strand (G>C on the coding strand, the complement: DHX32 is on the minus strand). VCF-style: chr10-125836728-C-G. GRCh37 (hg19) VCF-style: chr10-127525297-C-G.
Other names: c.774+2782C>G (NM_016567.4, NM_078469.3); short protein forms E731Q.
Identifiers: ClinVar variation 2074288 (VCV002074288.4), dbSNP rs745318505, ClinGen allele CA5738939.